The following is an entry in ClinVar:

ClinVar aggregate classification (germline): Uncertain significance (1 of 4 stars; one submission).

Submission:

Labcorp Genetics (formerly Invitae), Labcorp
Classification: Uncertain significance. Last evaluated: 2024-08-12. Review status: criteria provided, single submitter. Criteria: Invitae Variant Classification Sherloc (09022015). Collection method: clinical testing. Allele origin: germline.
Comment: This sequence change replaces tyrosine, which is neutral and polar, with phenylalanine, which is neutral and non-polar, at codon 289 of the SCP2 protein (p.Tyr289Phe). This variant is not present in population databases (gnomAD no frequency). This variant has not been reported in the literature in individuals affected with SCP2-related conditions. ClinVar contains an entry for this variant (Variation ID: 1510516). An algorithm developed to predict the effect of missense changes on protein structure and function (PolyPhen-2) suggests that this variant¬†is likely to be tolerated. In summary, the available evidence is currently insufficient to determine the role of this variant in disease. Therefore, it has been classified as a Variant of Uncertain Significance.

NM_002979.5(SCP2):c.866A>T (p.Tyr289Phe)

Gene: SCP2 (sterol carrier protein 2; plus strand). Cytogenetic location: 1p32.3.
Variant type: single nucleotide variant.
Coding change: c.866A>T on transcript NM_002979.5 (MANE Select); coding-DNA position 866, A replaced by T.
Protein change: p.Tyr289Phe; replaces tyrosine 289 with phenylalanine.
Molecular consequence: missense variant.
Genome position (GRCh38, 1-based): chr1:52,980,436, A>T. VCF-style: chr1-52980436-A-T. GRCh37 (hg19) VCF-style: chr1-53446108-A-T.
Other names: c.734A>T, p.Tyr245Phe (NM_001007098.3, NM_001193600.2); c.794A>T, p.Tyr265Phe (NM_001193599.2); c.623A>T, p.Tyr208Phe (NM_001193617.2); c.866A>T, p.Tyr289Phe (NM_001330587.2); short protein forms Y265F, Y245F, Y208F, Y289F.
Identifiers: ClinVar variation 1510516 (VCV001510516.4), dbSNP rs1282243951, ClinGen allele CA340381909.